The following is an entry in ClinVar:

ClinVar aggregate classification (germline): Uncertain significance. Review status: criteria provided, multiple submitters, no conflicts (2 of 4 stars). 2 submissions from 2 submitters: Uncertain significance (2). Last evaluated 2022-10-17.

Conditions:
Combined immunodeficiency due to LRBA deficiency. Also called: Common variable immunodeficiency 8, with autoimmunity. Identifiers: Orphanet 445018, MedGen C3553512, MONDO:0013863, OMIM 614700.

Allele frequency attached by ClinVar (database versions not stated): TOPMed 0.00005; gnomAD 0.00011.
gnomAD v4.1: 62 of 1,610,896 alleles (0.0038%); highest among the groups gnomAD compares: South Asian, 0.019%; 2 homozygotes.

Submissions (2):

Labcorp Genetics (formerly Invitae), Labcorp
Classification: Uncertain significance for Combined immunodeficiency due to LRBA deficiency. Last evaluated: 2022-10-17. Review status: criteria provided, single submitter. Criteria: Invitae Variant Classification Sherloc (09022015). Collection method: clinical testing. Allele origin: germline.
Comment: This sequence change replaces alanine, which is neutral and non-polar, with threonine, which is neutral and polar, at codon 1451 of the LRBA protein (p.Ala1451Thr). This variant is present in population databases (rs747397724, gnomAD 0.03%). This variant has not been reported in the literature in individuals affected with LRBA-related conditions. ClinVar contains an entry for this variant (Variation ID: 1037788). Advanced modeling of protein sequence and biophysical properties (such as structural, functional, and spatial information, amino acid conservation, physicochemical variation, residue mobility, and thermodynamic stability) performed at Invitae indicates that this missense variant is expected to disrupt LRBA protein function. In summary, the available evidence is currently insufficient to determine the role of this variant in disease. Therefore, it has been classified as a Variant of Uncertain Significance.

Blueprint Genetics
Classification: Uncertain significance. Last evaluated: 2022-05-04. Review status: criteria provided, single submitter. Criteria: ACMG Guidelines, 2015. Collection method: clinical testing. Allele origin: germline.

NM_001364905.1(LRBA):c.4351G>A (p.Ala1451Thr)

Gene: LRBA (LPS responsive beige-like anchor protein; minus strand). Cytogenetic location: 4q31.3.
Variant type: single nucleotide variant.
Coding change: c.4351G>A on transcript NM_001364905.1 (MANE Select); coding-DNA position 4351, G replaced by A.
Protein change: p.Ala1451Thr; replaces alanine 1451 with threonine.
Molecular consequence: missense variant.
Genome position (GRCh38, 1-based): chr4:150,844,768, C>T on the plus strand (G>A on the coding strand, the complement: LRBA is on the minus strand). VCF-style: chr4-150844768-C-T. GRCh37 (hg19) VCF-style: chr4-151765920-C-T.
Other names: c.4351G>A, p.Ala1451Thr (NM_001199282.3, NM_001367550.1, NM_006726.5); short protein forms A1451T.
Identifiers: ClinVar variation 1037788 (VCV001037788.5), dbSNP rs747397724, ClinGen allele CA3102812.